The following is an entry in ClinVar:

NM_138694.4(PKHD1):c.6042C>T (p.Tyr2014=)

Gene: PKHD1 (PKHD1 ciliary IPT domain containing fibrocystin/polyductin; minus strand). Cytogenetic location: 6p12.2.
Variant type: single nucleotide variant.
Coding change: c.6042C>T on transcript NM_138694.4 (MANE Select); coding-DNA position 6042, C replaced by T.
Protein change: p.Tyr2014=; no amino-acid change (tyrosine 2014 retained).
Molecular consequence: synonymous variant.
Genome position (GRCh38, 1-based): chr6:51,934,189, G>A on the plus strand (C>T on the coding strand, the complement: PKHD1 is on the minus strand). VCF-style: chr6-51934189-G-A. GRCh37 (hg19) VCF-style: chr6-51798987-G-A.
Other names: c.6042C>T, p.Tyr2014= (NM_170724.3); c.6042C>T (NM_138694.3).
Identifiers: ClinVar variation 500569 (VCV000500569.15), dbSNP rs373208457, ClinGen allele CA3852359.

ClinVar aggregate classification (germline): Conflicting classifications of pathogenicity. Review status: criteria provided, conflicting classifications (1 of 4 stars). 3 submissions from 3 submitters: Uncertain significance (1); Likely benign (1). 1 of the submissions does not count toward it. Last evaluated 2026-01-09.

Conditions:
PKHD1-related disorder. Also called: PKHD1-related condition.
Autosomal recessive polycystic kidney disease (ARPKD). Also called: AR polycystic kidney disease. Identifiers: Orphanet 731, Orphanet 8378, MedGen C0085548, MeSH D017044, MONDO:0009889.

Allele frequency attached by ClinVar (database versions not stated): gnomAD 0.00001; TOPMed 0.00001; gnomAD exomes 0.00002; ExAC 0.00004; ESP Exome Variant Server 0.00008.
gnomAD v4.1: 29 of 1,613,382 alleles (0.0018%); highest among the groups gnomAD compares: East Asian, 0.0089%; no homozygotes.

Submissions (3):

Labcorp Genetics (formerly Invitae), Labcorp
Classification: Likely benign for Autosomal recessive polycystic kidney disease. Last evaluated: 2026-01-09. Review status: criteria provided, single submitter. Criteria: Invitae Variant Classification Sherloc (09022015). Collection method: clinical testing. Allele origin: germline.

Eurofins Ntd Llc (ga)
Classification: Uncertain significance. Last evaluated: 2017-02-22. Review status: criteria provided, single submitter. Criteria: EGL Classification Definitions 2015. Collection method: clinical testing. Allele origin: germline. Observed: 1 variant allele, 1 heterozygote.

PreventionGenetics, part of Exact Sciences
Classification: Likely benign for PKHD1-related condition. Last evaluated: 2021-09-03. Review status: no assertion criteria provided. Collection method: clinical testing. Allele origin: germline. Not counted in ClinVar's aggregate classification.
Comment: This variant is classified as likely benign based on ACMG/AMP sequence variant interpretation guidelines (Richards et al. 2015 PMID: 25741868, with internal and published modifications).